The following is an entry in ClinVar:

NM_001369.3(DNAH5):c.13068G>A (p.Val4356=)

Gene: DNAH5 (dynein axonemal heavy chain 5; minus strand). Cytogenetic location: 5p15.2.
Variant type: single nucleotide variant.
Coding change: c.13068G>A on transcript NM_001369.3 (MANE Select); coding-DNA position 13068, G replaced by A.
Protein change: p.Val4356=; no amino-acid change (valine 4356 retained).
Molecular consequence: synonymous variant.
Genome position (GRCh38, 1-based): chr5:13,714,462, C>T on the plus strand (G>A on the coding strand, the complement: DNAH5 is on the minus strand). VCF-style: chr5-13714462-C-T. GRCh37 (hg19) VCF-style: chr5-13714571-C-T.
Other names: c.13068G>A (NM_001369.2).
Identifiers: ClinVar variation 1108183 (VCV001108183.12), dbSNP rs141961399, ClinGen allele CA3201461.

ClinVar aggregate classification (germline): Likely benign. Review status: criteria provided, multiple submitters, no conflicts (2 of 4 stars). 3 submissions from 3 submitters: Likely benign (2). 1 of the submissions does not count toward it. Last evaluated 2025-08-05.

Conditions:
DNAH5-related disorder. Also called: DNAH5-related condition.
Primary ciliary dyskinesia. Also called: Ciliary dyskinesia. Identifiers: Orphanet 244, MedGen C0008780, MONDO:0016575, HP:0012265.

Allele frequency attached by ClinVar (database versions not stated): ExAC 0.00002; gnomAD exomes 0.00002; gnomAD 0.00003; TOPMed 0.00003; ESP Exome Variant Server 0.00008.
gnomAD v4.1: 36 of 1,614,010 alleles (0.0022%); highest among the groups gnomAD compares: Non-Finnish European, 0.0028%; no homozygotes.

Submissions (3):

Labcorp Genetics (formerly Invitae), Labcorp
Classification: Likely benign for Primary ciliary dyskinesia. Last evaluated: 2025-08-05. Review status: criteria provided, single submitter. Criteria: Invitae Variant Classification Sherloc (09022015). Collection method: clinical testing. Allele origin: germline.

Blueprint Genetics
Classification: Likely benign. Last evaluated: 2024-02-26. Review status: criteria provided, single submitter. Criteria: ACMG Guidelines, 2015. Collection method: clinical testing. Allele origin: germline.

PreventionGenetics, part of Exact Sciences
Classification: Likely benign for DNAH5-related condition. Last evaluated: 2019-03-01. Review status: no assertion criteria provided. Collection method: clinical testing. Allele origin: germline. Not counted in ClinVar's aggregate classification.
Comment: This variant is classified as likely benign based on ACMG/AMP sequence variant interpretation guidelines (Richards et al. 2015 PMID: 25741868, with internal and published modifications).